The following is an entry in ClinVar:

ClinVar aggregate classification (germline): Pathogenic (1 of 4 stars; one submission).

Submission:

Labcorp Genetics (formerly Invitae), Labcorp
Classification: Pathogenic. Last evaluated: 2025-10-01. Review status: criteria provided, single submitter. Criteria: Invitae Variant Classification Sherloc (09022015). Collection method: clinical testing. Allele origin: germline.
Comment: This sequence change creates a premature translational stop signal (p.Ser707Ilefs*7) in the MYO6 gene. It is expected to result in an absent or disrupted protein product. Loss-of-function variants in MYO6 are known to be pathogenic (PMID: 12687499, 18348273, 23767834, 25999546, 30582396). This variant is not present in population databases (gnomAD no frequency). This variant has not been reported in the literature in individuals affected with MYO6-related conditions. ClinVar contains an entry for this variant (Variation ID: 2029461). For these reasons, this variant has been classified as Pathogenic.

Literature cited by the submitters: PubMed 12687499; PubMed 18348273; PubMed 23767834; PubMed 25999546; PubMed 30582396.

NM_004999.4(MYO6):c.2117dup (p.Ser707fs)

Gene: MYO6 (myosin VI; plus strand). Cytogenetic location: 6q14.1.
Variant type: Duplication.
Coding change: c.2117dup on transcript NM_004999.4 (MANE Select); coding-DNA position 2117, one base duplicated (C; older notation c.2117dupC).
Protein change: p.Ser707fs; shifts the reading frame from serine 707.
Molecular consequence: frameshift variant. On other transcripts: non-coding transcript variant (1).
Genome position (GRCh38, 1-based): chr6:75,879,859, C duplicated; the last of 3 consecutive C bases (chr6:75,879,857-75,879,859); duplicating any one gives the same sequence. VCF-style (leftmost placement, unchanged base first): chr6-75879856-A-AC. GRCh37 (hg19) VCF-style: chr6-76589573-A-AC.
Other names: c.2117dup, p.Ser707fs (NM_001300899.2, NM_001368136.1, NM_001368137.1 and 2 more transcripts); c.2102dup, p.Ser702fs (NM_001368138.1); short protein forms S702fs, S707fs.
Identifiers: ClinVar variation 2029461 (VCV002029461.4), dbSNP rs2535492454, ClinGen allele CA2580075922.